The following continues an entry in ClinVar:

NM_000051.4(ATM):c.8266A>T (p.Lys2756Ter)

ClinVar aggregate classification (germline): Pathogenic. Pathogenic (1).

Submissions 11 to 25 of 26:

Victorian Clinical Genetics Services, Murdoch Childrens Research Institute
Classification: Pathogenic for Familial cancer of breast. Last evaluated: 2024-10-10. Review status: criteria provided, single submitter. Criteria: ACMG Guidelines, 2015. Collection method: clinical testing. Allele origin: germline. Inheritance: Autosomal dominant inheritance. Not counted in ClinVar's aggregate classification.
Comment: Based on the classification scheme VCGS_Germline_v1.3.5, this variant is classified as Pathogenic. Following criteria are met: 0102 - Loss of function is a known mechanism of disease in this gene and is associated with ataxia-telangiectasia (MIM#208900) and susceptibility to breast cancer (MIM#114480). (I) 0108 - This gene is associated with both recessive and dominant disease. Biallelic variants in this gene result in ataxia-telangiectasia; however, heterozygous carriers of specific pathogenic variants have an increased risk of breast cancer (PMID: 27595995). Germline variants in this gene may also contribute to increased risk of other cancers including gastric, colorectal, and pancreatic cancers, however the risk is not well-established at this stage (PMIDs: 22585167, 27978560, 26506520). (I) 0115 - Variants in this gene are known to have variable expressivity with regard to ataxia-telangiectasia. Variable age of onset and rate of disease progression have been reported for affected individuals within the same family (PMIDs: 20301790, 27884168). (I) 0201 - Variant is predicted to cause nonsense-mediated decay (NMD) and loss of protein (premature termination codon is located at least 54 nucleotides upstream of the final exon-exon junction). (SP) 0251 - This variant is heterozygous. (I) 0304 - Variant is present in gnomAD <0.01 (v4: 71 heterozygotes, 1 homozygote). (SP) 0701 - Other NMD-predicted variants comparable to the one identified in this case have very strong previous evidence for pathogenicity (DECIPHER). (SP) 0801 - This variant has strong previous evidence of pathogenicity in unrelated individuals. This variant has been reported multiple times as pathogenic by clinical laboratories in ClinVar. (SP) 1208 - Inheritance information for this variant is not currently available in this individual. (I) Legend: (SP) - Supporting pathogenic, (I) - Information, (SB) - Supporting benign

Blueprint Genetics
Classification: Pathogenic for ATM-related disorders. Last evaluated: 2024-08-20. Review status: criteria provided, single submitter. Criteria: ACMG Guidelines, 2015. Collection method: clinical testing. Allele origin: germline. Affected: yes. Observed: 5 variant alleles. Not counted in ClinVar's aggregate classification.

Fulgent Genetics
Classification: Pathogenic for Familial cancer of breast; Ataxia-telangiectasia syndrome. Last evaluated: 2024-06-06. Review status: criteria provided, single submitter. Criteria: ACMG Guidelines, 2015. Collection method: clinical testing. Allele origin: germline. Not counted in ClinVar's aggregate classification.

Baylor Genetics
Classification: Pathogenic for Familial cancer of breast. Last evaluated: 2024-03-01. Review status: criteria provided, single submitter. Criteria: ACMG Guidelines, 2015. Collection method: clinical testing. Allele origin: unknown. Not counted in ClinVar's aggregate classification.

Color Diagnostics, LLC DBA Color Health
Classification: Pathogenic for Hereditary cancer-predisposing syndrome. Last evaluated: 2024-02-27. Review status: criteria provided, single submitter. Criteria: ACMG Guidelines, 2015. Collection method: clinical testing. Allele origin: germline. Not counted in ClinVar's aggregate classification.
Comment: This variant changes 1 nucleotide in exon 56 of the ATM gene, creating a premature translation stop signal. This variant is expected to result in an absent or non-functional protein product. This variant has been reported in individuals affected with breast cancer (PMID: 20305132, 25503501, 26094658, 26534844. 26681312, 28008555) and pancreatic cancer (PMID: 22585167). This variant has also been reported in individuals affected with autosomal recessive ataxia-telangiectasia (PMID: 8659541, 9463314, 10330348, 12552559, 21665257). This variant has been identified in 5/282078 chromosomes in the general population by the Genome Aggregation Database (gnomAD). Loss of ATM function is a known mechanism of disease. Based on the available evidence, this variant is classified as Pathogenic.

Myriad Genetics, Inc.
Classification: Pathogenic for Familial cancer of breast. Last evaluated: 2024-02-01. Review status: criteria provided, single submitter. Criteria: Myriad Autosomal Dominant, Autosomal Recessive and X-Linked Classification Criteria (2023). Collection method: clinical testing. Allele origin: unknown. Not counted in ClinVar's aggregate classification.
Comment: This variant is considered pathogenic. This variant creates a termination codon and is predicted to result in premature protein truncation.

Institute for Biomarker Research, Medical Diagnostic Laboratories, L.L.C.
Classification: Pathogenic for Hereditary cancer-predisposing syndrome. Last evaluated: 2023-11-28. Review status: criteria provided, single submitter. Criteria: ACMG Guidelines, 2015. Collection method: clinical testing. Allele origin: germline. Not counted in ClinVar's aggregate classification.

CHEO Genetics Diagnostic Laboratory, Children's Hospital of Eastern Ontario
Classification: Pathogenic for Breast and/or ovarian cancer. Last evaluated: 2023-06-12. Review status: criteria provided, single submitter. Criteria: ACMG Guidelines, 2015. Collection method: clinical testing. Allele origin: germline. Not counted in ClinVar's aggregate classification.

GeneDx
Classification: Pathogenic. Last evaluated: 2022-10-03. Review status: criteria provided, single submitter. Criteria: GeneDx Variant Classification Process June 2021. Collection method: clinical testing. Allele origin: germline. Affected: yes. Not counted in ClinVar's aggregate classification.
Comment: Nonsense variant predicted to result in protein truncation or nonsense mediated decay in a gene for which loss-of-function is a known mechanism of disease; Not observed at significant frequency in large population cohorts (gnomAD); Observed in the heterozygous state in individuals with ATM-related cancers (Yuille 2002, Buzin 2003, Skowronska 2012, Roberts 2012, Desmond 2015, Maxwell 2015, Schrader 2016, Decker 2017, Pritzlaff 2017); This variant is associated with the following publications: (PMID: 25525159, 10330348, 9463314, 25503501, 22585167, 26681312, 26556299, 28008555, 27159321, 26094658, 28779002, 30549301, 29922827, 28888541, 12091354, 8659541, 21933854, 24486587, 24763289, 12552559, 25032865, 18321536, 26270727, 21459046, 16953663, 28007021, 26786923, 27324988, 28716242, 28729543, 11756185, 9872980, 25326635, 30716324, 30620386, 30322717, 30113427, 31447099, 26896183, 32853339, 32885271, 31948886, 31285527)

Genetics and Molecular Pathology, SA Pathology
Classification: Pathogenic for Familial cancer of breast. Last evaluated: 2022-05-04. Review status: criteria provided, single submitter. Criteria: ACMG Guidelines, 2015. Collection method: clinical testing. Allele origin: germline. Affected: no. Not counted in ClinVar's aggregate classification.

Sema4
Classification: Pathogenic for Hereditary cancer-predisposing syndrome. Last evaluated: 2021-09-13. Review status: criteria provided, single submitter. Criteria: Sema4 Curation Guidelines. Collection method: curation. Allele origin: germline. Not counted in ClinVar's aggregate classification.
Comment: The ATM c.8266A>T (p.K2756X) variant has been reported as compound heterozygous in multiple individuals with ataxia telangiectasia (PMID: 8659541, 30549301), as well as in heterozygosity in multiple individuals with breast cancer, ovarian cancer, and/or pancreatic cancer (PMID: 26681312, 30322717, 22585167, among others). This nonsense variant creates a premature stop codon at residue 2756 of the ATM protein. At this location, nonsense-mediated decay is predicted to occur, leading to a loss of function. Loss of function variants in ATM are known to be pathogenic (PMID: 31050087). This variant was observed in 5/128650 chromosomes in the European (non-Finnish) population according to the Genome Aggregation Database (PMID: 32461654), and has been reported in ClinVar (Variation ID: 135780). Based on the current evidence available, this variant is interpreted as pathogenic.

Baylor Genetics
Classification: Pathogenic for Ataxia-telangiectasia syndrome. Last evaluated: 2017-09-01. Review status: criteria provided, single submitter. Criteria: ACMG Guidelines, 2015. Collection method: clinical testing. Allele origin: maternal. Inheritance: Autosomal recessive inheritance. Affected: yes. Not counted in ClinVar's aggregate classification.

Women's Health and Genetics/Laboratory Corporation of America, LabCorp
Classification: Pathogenic for Ataxia-telangiectasia syndrome. Last evaluated: 2016-08-11. Review status: criteria provided, single submitter. Criteria: LabCorp Variant Classification Summary - May 2015. Collection method: clinical testing. Allele origin: germline. Not counted in ClinVar's aggregate classification.
Comment: Variant summary: The ATM c.8266A>T (p.Lys2756X) variant results in a premature termination codon, predicted to cause a truncated or absent ATM protein due to nonsense mediated decay, which are commonly known mechanisms for disease. Truncations downstream of this position have been classified as pathogenic by our laboratory (e.g.c.8264_8268delATAAG/p.Tyr2755fsX12). One in silico tool predicts a damaging outcome for this variant. This variant was found in 1/118602 control chromosomes at a frequency of 0.0000084, which does not exceed the estimated maximal expected allele frequency of a pathogenic ATM variant (0.0039528). This variant has been reported in multiple patients with AT and different types of cancers. In addition, multiple clinical diagnostic laboratories/reputable databases classified this variant as pathogenic/likely pathogenic. Taken together, this variant is classified as pathogenic.

Quest Diagnostics Nichols Institute San Juan Capistrano
Classification: Pathogenic. Last evaluated: 2015-12-09. Review status: criteria provided, single submitter. Criteria: Quest Diagnostics criteria. Collection method: clinical testing. Allele origin: unknown. Not counted in ClinVar's aggregate classification.
Comment: NMD is expected as a result of this variant, and therefore the loss of a functional protein. Additionally, the variant was found in at least one symptomatic patient, and found in general population data at a frequency that is consistent with pathogenicity. Based on the available information, this variant is classified as pathogenic.

Counsyl
Classification: Likely pathogenic for Ataxia-telangiectasia syndrome. Last evaluated: 2014-03-04. Review status: no assertion criteria provided. Collection method: literature only. Allele origin: unknown. Inheritance: Autosomal recessive inheritance. Not counted in ClinVar's aggregate classification.